The following is an entry in ClinVar:

ClinVar aggregate classification (germline): Uncertain significance (1 of 4 stars; one submission).

gnomAD v4.1: 1 of 1,614,224 alleles (0.000062%); highest among the groups gnomAD compares: Non-Finnish European, 0.000085%; no homozygotes.

Submission:

Labcorp Genetics (formerly Invitae), Labcorp
Classification: Uncertain significance. Last evaluated: 2024-10-23. Review status: criteria provided, single submitter. Criteria: Invitae Variant Classification Sherloc (09022015). Collection method: clinical testing. Allele origin: germline.
Comment: This sequence change replaces tyrosine, which is neutral and polar, with asparagine, which is neutral and polar, at codon 276 of the WNT3 protein (p.Tyr276Asn). This variant is present in population databases (no rsID available, gnomAD 0.0009%). This variant has not been reported in the literature in individuals affected with WNT3-related conditions. Invitae Evidence Modeling of protein sequence and biophysical properties (such as structural, functional, and spatial information, amino acid conservation, physicochemical variation, residue mobility, and thermodynamic stability) indicates that this missense variant is expected to disrupt WNT3 protein function with a positive predictive value of 80%. In summary, the available evidence is currently insufficient to determine the role of this variant in disease. Therefore, it has been classified as a Variant of Uncertain Significance.

NM_030753.5(WNT3):c.826T>A (p.Tyr276Asn)

Genes: LRRC37A2 (leucine rich repeat containing 37 member A2), WNT3 (Wnt family member 3; minus strand). Cytogenetic location: 17q21.31.
Variant type: single nucleotide variant.
Coding change: c.826T>A on transcript NM_030753.5 (MANE Select); coding-DNA position 826, T replaced by A.
Protein change: p.Tyr276Asn; replaces tyrosine 276 with asparagine.
Molecular consequence: missense variant.
Genome position (GRCh38, 1-based): chr17:46,768,562, A>T on the plus strand (T>A on the coding strand, the complement: WNT3 is on the minus strand). VCF-style: chr17-46768562-A-T. GRCh37 (hg19) VCF-style: chr17-44845928-A-T.
Other names: short protein forms Y276N.
Identifiers: ClinVar variation 3678976 (VCV003678976.2).
Genomic context (GRCh38, chr17:46,768,562, plus strand): 5'-TTGTGCCAAAGGAACCCGTCTCTGGGTTGGGCTCACAAAAGTTGGGGGAGTTCTCGTAGT[A>T]GACCAGGTCCCTCTCCGTGGGTGGCTTGAAGAGCGAGTACTTGGCCCGGAGGGTCTCCAC-3'
Protein context (NP_110380.1, residues 266-286): FKPPTERDLV[Tyr276Asn]YENSPNFCEP